The following is an entry in ClinVar:

NM_001127222.2(CACNA1A):c.3474G>C (p.Lys1158Asn)

Gene: CACNA1A (calcium voltage-gated channel subunit alpha1 A; minus strand). Cytogenetic location: 19p13.13.
Variant type: single nucleotide variant.
Coding change: c.3474G>C on transcript NM_001127222.2 (MANE Select); coding-DNA position 3474, G replaced by C.
Protein change: p.Lys1158Asn; replaces lysine 1158 with asparagine.
Molecular consequence: missense variant.
Genome position (GRCh38, 1-based): chr19:13,286,582, C>G on the plus strand (G>C on the coding strand, the complement: CACNA1A is on the minus strand). VCF-style: chr19-13286582-C-G. GRCh37 (hg19) VCF-style: chr19-13397396-C-G.
Other names: c.3486G>C, p.Lys1162Asn (NM_000068.4, NM_023035.3); c.3477G>C, p.Lys1159Asn (NM_001127221.2, NM_001174080.2); short protein forms K1158N, K1159N, K1162N.
Identifiers: ClinVar variation 3754160 (VCV003754160.2).

ClinVar aggregate classification (germline): Uncertain significance (1 of 4 stars; one submission).

Conditions:
Episodic ataxia type 2 (EA2). Also called: ATAXIA, EPISODIC, WITH NYSTAGMUS; ATAXIA, FAMILIAL PAROXYSMAL; ACETAZOLAMIDE-RESPONSIVE HEREDITARY PAROXYSMAL CEREBELLAR ATAXIA; CEREBELLAR ATAXIA, PAROXYSMAL, ACETAZOLAMIDE-RESPONSIVE; CEREBELLOPATHY, HEREDITARY PAROXYSMAL; EPISODIC ATAXIA, NYSTAGMUS-ASSOCIATED. Identifiers: Orphanet 97, MedGen C1720416, MONDO:0007163, OMIM 108500.
Developmental and epileptic encephalopathy, 42 (DEE42A). Also called: Epileptic encephalopathy, early infantile, 42; DEVELOPMENTAL AND EPILEPTIC ENCEPHALOPATHY 42A; EPILEPTIC ENCEPHALOPATHY, EARLY INFANTILE, 42A. Identifiers: MedGen C4310716, MONDO:0014917, OMIM 617106.

Submission:

Labcorp Genetics (formerly Invitae), Labcorp
Classification: Uncertain significance for Developmental and epileptic encephalopathy, 42; Episodic ataxia type 2. Last evaluated: 2024-08-11. Review status: criteria provided, single submitter. Criteria: Invitae Variant Classification Sherloc (09022015). Collection method: clinical testing. Allele origin: germline.
Comment: This sequence change replaces lysine, which is basic and polar, with asparagine, which is neutral and polar, at codon 1159 of the CACNA1A protein (p.Lys1159Asn). This variant is not present in population databases (gnomAD no frequency). This variant has not been reported in the literature in individuals affected with CACNA1A-related conditions. Advanced modeling of protein sequence and biophysical properties (such as structural, functional, and spatial information, amino acid conservation, physicochemical variation, residue mobility, and thermodynamic stability) performed at Invitae indicates that this missense variant is not expected to disrupt CACNA1A protein function with a negative predictive value of 95%. In summary, the available evidence is currently insufficient to determine the role of this variant in disease. Therefore, it has been classified as a Variant of Uncertain Significance.